The following is an entry in ClinVar:

ClinVar aggregate classification (germline): Uncertain significance. Review status: criteria provided, multiple submitters, no conflicts (2 of 4 stars). 2 submissions from 2 submitters: Uncertain significance (2). Last evaluated 2026-04-24.

Conditions:
Hereditary cancer-predisposing syndrome. Also called: Hereditary neoplastic syndrome; Neoplastic Syndromes, Hereditary; Tumor predisposition; Hereditary Cancer Syndrome. Identifiers: Orphanet 140162, MedGen C0027672, MeSH D009386, MONDO:0015356.

Allele frequency attached by ClinVar (database versions not stated): gnomAD exomes 0.00001.
gnomAD v4.1: 8 of 1,612,968 alleles (0.0005%); highest among the groups gnomAD compares: Non-Finnish European, 0.00068%; no homozygotes.

Submissions (2):

Ambry Genetics
Classification: Uncertain significance for Hereditary cancer-predisposing syndrome. Last evaluated: 2026-04-24. Review status: criteria provided, single submitter. Criteria: Ambry Variant Classification Scheme 2023. Collection method: clinical testing. Allele origin: germline.
Comment: The p.Y744F variant (also known as c.2231A>T), located in coding exon 15 of the MSH3 gene, results from an A to T substitution at nucleotide position 2231. The tyrosine at codon 744 is replaced by phenylalanine, an amino acid with highly similar properties. This amino acid position is highly conserved in available vertebrate species. In addition, the in silico prediction for this alteration is inconclusive. Based on the available evidence, the clinical significance of this variant remains unclear.

Labcorp Genetics (formerly Invitae), Labcorp
Classification: Uncertain significance. Last evaluated: 2025-08-06. Review status: criteria provided, single submitter. Criteria: Invitae Variant Classification Sherloc (09022015). Collection method: clinical testing. Allele origin: germline.
Comment: This sequence change replaces tyrosine, which is neutral and polar, with phenylalanine, which is neutral and non-polar, at codon 744 of the MSH3 protein (p.Tyr744Phe). This variant is not present in population databases (gnomAD no frequency). This variant has not been reported in the literature in individuals affected with MSH3-related conditions. ClinVar contains an entry for this variant (Variation ID: 1025062). An algorithm developed to predict the effect of missense changes on protein structure and function (PolyPhen-2) suggests that this variant is likely to be disruptive. In summary, the available evidence is currently insufficient to determine the role of this variant in disease. Therefore, it has been classified as a Variant of Uncertain Significance.

NM_002439.5(MSH3):c.2231A>T (p.Tyr744Phe)

Gene: MSH3 (mutS homolog 3; plus strand). Cytogenetic location: 5q14.1.
Variant type: single nucleotide variant.
Coding change: c.2231A>T on transcript NM_002439.5 (MANE Select); coding-DNA position 2231, A replaced by T.
Protein change: p.Tyr744Phe; replaces tyrosine 744 with phenylalanine.
Molecular consequence: missense variant.
Genome position (GRCh38, 1-based): chr5:80,768,981, A>T. VCF-style: chr5-80768981-A-T. GRCh37 (hg19) VCF-style: chr5-80064800-A-T.
Other names: c.2231A>T (NM_002439.3); short protein forms Y744F.
Identifiers: ClinVar variation 1025062 (VCV001025062.8), dbSNP rs1228057455, ClinGen allele CA360279739.